The following is an entry in ClinVar:

ClinVar aggregate classification (germline): Uncertain significance. Review status: criteria provided, multiple submitters, no conflicts (2 of 4 stars). 2 submissions from 2 submitters: Uncertain significance (2). Last evaluated 2024-05-03.

Allele frequency attached by ClinVar (database versions not stated): gnomAD 0.00001; gnomAD exomes 0.00001; ExAC 0.00002; TOPMed 0.00002.
gnomAD v4.1: 12 of 1,613,670 alleles (0.00074%); highest among the groups gnomAD compares: Admixed American, 0.0033%; no homozygotes.

Submissions (2):

Blueprint Genetics
Classification: Uncertain significance. Last evaluated: 2024-05-03. Review status: criteria provided, single submitter. Criteria: ACMG Guidelines, 2015. Collection method: clinical testing. Allele origin: germline.

Labcorp Genetics (formerly Invitae), Labcorp
Classification: Uncertain significance. Last evaluated: 2022-08-06. Review status: criteria provided, single submitter. Criteria: Invitae Variant Classification Sherloc (09022015). Collection method: clinical testing. Allele origin: germline.
Comment: This sequence change replaces phenylalanine, which is neutral and non-polar, with valine, which is neutral and non-polar, at codon 3167 of the ADGRV1 protein (p.Phe3167Val). This variant is present in population databases (rs756916117, gnomAD 0.003%). This variant has not been reported in the literature in individuals affected with ADGRV1-related conditions. Algorithms developed to predict the effect of missense changes on protein structure and function are either unavailable or do not agree on the potential impact of this missense change (SIFT: "Deleterious"; PolyPhen-2: "Possibly Damaging"; Align-GVGD: "Class C0"). Algorithms developed to predict the effect of sequence changes on RNA splicing suggest that this variant may create or strengthen a splice site. In summary, the available evidence is currently insufficient to determine the role of this variant in disease. Therefore, it has been classified as a Variant of Uncertain Significance.

NM_032119.4(ADGRV1):c.9499T>G (p.Phe3167Val)

Gene: ADGRV1 (adhesion G protein-coupled receptor V1; plus strand). Cytogenetic location: 5q14.3.
Variant type: single nucleotide variant.
Coding change: c.9499T>G on transcript NM_032119.4 (MANE Select); coding-DNA position 9499, T replaced by G.
Protein change: p.Phe3167Val; replaces phenylalanine 3167 with valine.
Molecular consequence: missense variant. On other transcripts: non-coding transcript variant (1).
Genome position (GRCh38, 1-based): chr5:90,720,099, T>G. VCF-style: chr5-90720099-T-G. GRCh37 (hg19) VCF-style: chr5-90015916-T-G.
Other names: short protein forms F3167V.
Identifiers: ClinVar variation 1988834 (VCV001988834.2), dbSNP rs756916117, ClinGen allele CA3340525.